The following is an entry in ClinVar:

ClinVar aggregate classification (germline): Uncertain significance. Review status: criteria provided, multiple submitters, no conflicts (2 of 4 stars). 2 submissions from 2 submitters: Uncertain significance (2). Last evaluated 2024-08-21.

Conditions:
Hereditary cancer-predisposing syndrome. Also called: Tumor predisposition; Neoplastic Syndromes, Hereditary; Hereditary Cancer Syndrome; Hereditary neoplastic syndrome. Identifiers: Orphanet 140162, MedGen C0027672, MeSH D009386, MONDO:0015356.

Submissions (2):

Ambry Genetics
Classification: Uncertain significance for Hereditary cancer-predisposing syndrome. Last evaluated: 2024-08-21. Review status: criteria provided, single submitter. Criteria: Ambry Variant Classification Scheme 2023. Collection method: clinical testing. Allele origin: germline.
Comment: The p.M121T variant (also known as c.362T>C), located in coding exon 3 of the FH gene, results from a T to C substitution at nucleotide position 362. The methionine at codon 121 is replaced by threonine, an amino acid with similar properties. This amino acid position is conserved. In addition, the in silico prediction for this alteration is inconclusive. Based on the available evidence, the clinical significance of this variant remains unclear.

Labcorp Genetics (formerly Invitae), Labcorp
Classification: Uncertain significance. Last evaluated: 2024-02-06. Review status: criteria provided, single submitter. Criteria: Invitae Variant Classification Sherloc (09022015). Collection method: clinical testing. Allele origin: germline.
Comment: This sequence change replaces methionine, which is neutral and non-polar, with threonine, which is neutral and polar, at codon 121 of the FH protein (p.Met121Thr). This variant is not present in population databases (gnomAD no frequency). This variant has not been reported in the literature in individuals affected with FH-related conditions. Advanced modeling of protein sequence and biophysical properties (such as structural, functional, and spatial information, amino acid conservation, physicochemical variation, residue mobility, and thermodynamic stability) performed at Invitae indicates that this missense variant is not expected to disrupt FH protein function with a negative predictive value of 95%. In summary, the available evidence is currently insufficient to determine the role of this variant in disease. Therefore, it has been classified as a Variant of Uncertain Significance.

NM_000143.4(FH):c.362T>C (p.Met121Thr)

Gene: FH (fumarate hydratase; minus strand). Cytogenetic location: 1q43.
Variant type: single nucleotide variant.
Coding change: c.362T>C on transcript NM_000143.4 (MANE Select); coding-DNA position 362, T replaced by C.
Protein change: p.Met121Thr; replaces methionine 121 with threonine.
Molecular consequence: missense variant.
Genome position (GRCh38, 1-based): chr1:241,513,619, A>G on the plus strand (T>C on the coding strand, the complement: FH is on the minus strand). VCF-style: chr1-241513619-A-G. GRCh37 (hg19) VCF-style: chr1-241676919-A-G.
Other names: short protein forms M121T.
Identifiers: ClinVar variation 3515068 (VCV003515068.3).